The following is an entry in ClinVar:

ClinVar aggregate classification (germline): Likely benign. Review status: criteria provided, multiple submitters, no conflicts (2 of 4 stars). 4 submissions from 4 submitters: Likely benign (3). 1 of the submissions does not count toward it. Last evaluated 2024-12-08.

Conditions:
Inborn genetic diseases. Identifiers: MedGen C0950123, MeSH D030342.
FANCA-related disorder. Also called: FANCA-related condition.
Fanconi anemia (FA). Also called: Fanconi's anemia. Identifiers: Orphanet 84, MedGen C0015625, MeSH D005199, MONDO:0019391.

gnomAD v4.1: 18 of 1,613,798 alleles (0.0011%); highest among the groups gnomAD compares: South Asian, 0.02%; no homozygotes.

Submissions (4):

Ambry Genetics
Classification: Likely benign for Inborn genetic diseases. Last evaluated: 2024-12-08. Review status: criteria provided, single submitter. Criteria: Ambry Variant Classification Scheme 2023. Collection method: clinical testing. Allele origin: germline.

Blueprint Genetics
Classification: Likely benign. Last evaluated: 2024-09-19. Review status: criteria provided, single submitter. Criteria: ACMG Guidelines, 2015. Collection method: clinical testing. Allele origin: germline.

Labcorp Genetics (formerly Invitae), Labcorp
Classification: Likely benign for Fanconi anemia. Last evaluated: 2023-04-06. Review status: criteria provided, single submitter. Criteria: Invitae Variant Classification Sherloc (09022015). Collection method: clinical testing. Allele origin: germline.

PreventionGenetics, part of Exact Sciences
Classification: Likely benign for FANCA-related condition. Last evaluated: 2019-04-09. Review status: no assertion criteria provided. Collection method: clinical testing. Allele origin: germline. Not counted in ClinVar's aggregate classification.
Comment: This variant is classified as likely benign based on ACMG/AMP sequence variant interpretation guidelines (Richards et al. 2015 PMID: 25741868, with internal and published modifications).

NM_000135.4(FANCA):c.1701C>A (p.Thr567=)

Gene: FANCA (FA complementation group A; minus strand). Cytogenetic location: 16q24.3.
Variant type: single nucleotide variant.
Coding change: c.1701C>A on transcript NM_000135.4 (MANE Select); coding-DNA position 1701, C replaced by A.
Protein change: p.Thr567=; no amino-acid change (threonine 567 retained).
Molecular consequence: synonymous variant.
Genome position (GRCh38, 1-based): chr16:89,779,883, G>T on the plus strand (C>A on the coding strand, the complement: FANCA is on the minus strand). VCF-style: chr16-89779883-G-T. GRCh37 (hg19) VCF-style: chr16-89846291-G-T.
Other names: c.1701C>A, p.Thr567= (NM_001286167.3); c.1701C>A (NM_000135.2).
Identifiers: ClinVar variation 1133727 (VCV001133727.13), dbSNP rs745466726, ClinGen allele CA8252163.